The following is an entry in ClinVar:

NM_004168.4(SDHA):c.1336G>A (p.Val446Ile)

Gene: SDHA (succinate dehydrogenase complex flavoprotein subunit A; plus strand). Cytogenetic location: 5p15.33.
Variant type: single nucleotide variant.
Coding change: c.1336G>A on transcript NM_004168.4 (MANE Select); coding-DNA position 1336, G replaced by A.
Protein change: p.Val446Ile; replaces valine 446 with isoleucine.
Molecular consequence: missense variant.
Genome position (GRCh38, 1-based): chr5:236,503, G>A. VCF-style: chr5-236503-G-A. GRCh37 (hg19) VCF-style: chr5-236618-G-A.
Other names: c.1192G>A, p.Val398Ile (NM_001294332.2); c.1336G>A, p.Val446Ile (NM_001330758.2); short protein forms V398I, V446I.
Identifiers: ClinVar variation 1954001 (VCV001954001.5), dbSNP rs2126589937, ClinGen allele CA359013954.

ClinVar aggregate classification (germline): Uncertain significance (1 of 4 stars; one submission).

Conditions:
Mitochondrial complex II deficiency, nuclear type 1. Also called: SUCCINATE CoQ REDUCTASE DEFICIENCY. Identifiers: Orphanet 3208, MedGen C5700310, MONDO:0100294, OMIM 252011.
Pheochromocytoma/paraganglioma syndrome 5. Also called: Paragangliomas 5; SDHA-Related Hereditary Paraganglioma-Pheochromocytoma Syndrome. Identifiers: Orphanet 29072, MedGen C3279992, MONDO:0013602, OMIM 614165.

Submission:

Labcorp Genetics (formerly Invitae), Labcorp
Classification: Uncertain significance for Pheochromocytoma/paraganglioma syndrome 5; Mitochondrial complex II deficiency, nuclear type 1. Last evaluated: 2024-08-06. Review status: criteria provided, single submitter. Criteria: Invitae Variant Classification Sherloc (09022015). Collection method: clinical testing. Allele origin: germline.
Comment: This sequence change replaces valine, which is neutral and non-polar, with isoleucine, which is neutral and non-polar, at codon 446 of the SDHA protein (p.Val446Ile). This variant is not present in population databases (gnomAD no frequency). This variant has not been reported in the literature in individuals affected with SDHA-related conditions. ClinVar contains an entry for this variant (Variation ID: 1954001). Advanced modeling of protein sequence and biophysical properties (such as structural, functional, and spatial information, amino acid conservation, physicochemical variation, residue mobility, and thermodynamic stability) performed at Invitae indicates that this missense variant is not expected to disrupt SDHA protein function with a negative predictive value of 95%. In summary, the available evidence is currently insufficient to determine the role of this variant in disease. Therefore, it has been classified as a Variant of Uncertain Significance.